The following is an entry in ClinVar:

ClinVar aggregate classification (germline): Uncertain significance (1 of 4 stars; one submission).

gnomAD v4.1: 2 of 1,614,160 alleles (0.00012%); highest among the groups gnomAD compares: Non-Finnish European, 0.00017%; no homozygotes.

Submission:

Labcorp Genetics (formerly Invitae), Labcorp
Classification: Uncertain significance. Last evaluated: 2025-02-10. Review status: criteria provided, single submitter. Criteria: Invitae Variant Classification Sherloc (09022015). Collection method: clinical testing. Allele origin: germline.
Comment: This sequence change replaces serine, which is neutral and polar, with phenylalanine, which is neutral and non-polar, at codon 36 of the TNFRSF11B protein (p.Ser36Phe). This variant is not present in population databases (gnomAD no frequency). This variant has not been reported in the literature in individuals affected with TNFRSF11B-related conditions. Invitae Evidence Modeling of protein sequence and biophysical properties (such as structural, functional, and spatial information, amino acid conservation, physicochemical variation, residue mobility, and thermodynamic stability) indicates that this missense variant is not expected to disrupt TNFRSF11B protein function with a negative predictive value of 80%. In summary, the available evidence is currently insufficient to determine the role of this variant in disease. Therefore, it has been classified as a Variant of Uncertain Significance.

NM_002546.4(TNFRSF11B):c.107C>T (p.Ser36Phe)

Gene: TNFRSF11B (TNF receptor superfamily member 11b; minus strand). Cytogenetic location: 8q24.12.
Variant type: single nucleotide variant.
Coding change: c.107C>T on transcript NM_002546.4 (MANE Select); coding-DNA position 107, C replaced by T.
Protein change: p.Ser36Phe; replaces serine 36 with phenylalanine.
Molecular consequence: missense variant.
Genome position (GRCh38, 1-based): chr8:118,933,224, G>A on the plus strand (C>T on the coding strand, the complement: TNFRSF11B is on the minus strand). VCF-style: chr8-118933224-G-A. GRCh37 (hg19) VCF-style: chr8-119945463-G-A.
Other names: short protein forms S36F.
Identifiers: ClinVar variation 4744103 (VCV004744103.1).